The following is an entry in ClinVar:

ClinVar aggregate classification (germline): Uncertain significance (1 of 4 stars; one submission).

Submission:

Labcorp Genetics (formerly Invitae), Labcorp
Classification: Uncertain significance. Last evaluated: 2021-04-02. Review status: criteria provided, single submitter. Criteria: Invitae Variant Classification Sherloc (09022015). Collection method: clinical testing. Allele origin: germline.
Comment: In summary, the available evidence is currently insufficient to determine the role of this variant in disease. Therefore, it has been classified as a Variant of Uncertain Significance. Algorithms developed to predict the effect of missense changes on protein structure and function (SIFT, PolyPhen-2, Align-GVGD) all suggest that this variant is likely to be disruptive, but these predictions have not been confirmed by published functional studies and their clinical significance is uncertain. This variant has not been reported in the literature in individuals with SCN3A-related conditions. This variant is not present in population databases (ExAC no frequency). This sequence change replaces tryptophan with serine at codon 949 of the SCN3A protein (p.Trp949Ser). The tryptophan residue is highly conserved and there is a large physicochemical difference between tryptophan and serine.

NM_006922.4(SCN3A):c.2846G>C (p.Trp949Ser)

Gene: SCN3A (sodium voltage-gated channel alpha subunit 3; minus strand). Cytogenetic location: 2q24.3.
Variant type: single nucleotide variant.
Coding change: c.2846G>C on transcript NM_006922.4 (MANE Select); coding-DNA position 2846, G replaced by C.
Protein change: p.Trp949Ser; replaces tryptophan 949 with serine.
Molecular consequence: missense variant.
Genome position (GRCh38, 1-based): chr2:165,130,016, C>G on the plus strand (G>C on the coding strand, the complement: SCN3A is on the minus strand). VCF-style: chr2-165130016-C-G. GRCh37 (hg19) VCF-style: chr2-165986526-C-G.
Other names: c.2699G>C, p.Trp900Ser (NM_001081676.2, NM_001081677.2); short protein forms W900S, W949S.
Identifiers: ClinVar variation 1522533 (VCV001522533.8), dbSNP rs2105771857, ClinGen allele CA349042387.